The following is an entry in ClinVar:

ClinVar aggregate classification (germline): Likely pathogenic (1 of 4 stars; one submission).

Conditions:
Autosomal recessive nonsyndromic hearing loss 42. Identifiers: Orphanet 90636, MedGen C1864818, MONDO:0012326, OMIM 609646.

Submission:

Institute of Rare Diseases, West China Hospital, Sichuan University
Classification: Likely pathogenic for Autosomal recessive nonsyndromic hearing loss 42. Last evaluated: 2025-01-09. Review status: criteria provided, single submitter. Criteria: ClinGen HL ACMG Specifications v1. Collection method: research. Allele origin: germline. Affected: yes.
Comment: PVS1;PM2_Supporting

NM_001199799.2(ILDR1):c.98_99insAA (p.Tyr34fs)

Gene: ILDR1 (immunoglobulin like domain containing receptor 1; minus strand). Cytogenetic location: 3q13.33.
Variant type: Insertion.
Coding change: c.98_99insAA on transcript NM_001199799.2 (MANE Select); coding-DNA positions 98 to 99, AA inserted.
Protein change: p.Tyr34fs; shifts the reading frame from tyrosine 34.
Molecular consequence: frameshift variant.
Genome position: GRCh38 VCF-style: chr3-122007121-G-GTT. GRCh37 (hg19) VCF-style: chr3-121725968-G-GTT.
Other names: c.98_99insAA, p.Tyr34fs (NM_001199800.2, NM_175924.4); short protein forms Y34fs.
Identifiers: ClinVar variation 3601177 (VCV003601177.1).